The following is an entry in ClinVar:

NM_001166108.2(PALLD):c.2356G>A (p.Val786Met)

Genes: CBR4 (carbonyl reductase 4; minus strand), PALLD (palladin, cytoskeletal associated protein; plus strand). Cytogenetic location: 4q32.3.
Variant type: single nucleotide variant.
Coding change: c.2356G>A on transcript NM_001166108.2 (MANE Select); coding-DNA position 2356, G replaced by A.
Protein change: p.Val786Met; replaces valine 786 with methionine.
Molecular consequence: missense variant.
Genome position (GRCh38, 1-based): chr4:168,898,598, G>A. VCF-style: chr4-168898598-G-A. GRCh37 (hg19) VCF-style: chr4-169819749-G-A.
Other names: p.V769M:GTG>ATG; c.1159G>A, p.Val387Met (NM_001166109.2); c.844G>A, p.Val282Met (NM_001166110.2); c.184G>A, p.Val62Met (NM_001367567.1, NM_001367569.1); c.235G>A, p.Val79Met (NM_001367568.1, NM_001367570.1); c.2305G>A, p.Val769Met (NM_016081.4); short protein forms V769M, V282M, V62M, V786M, V387M, V79M.
Identifiers: ClinVar variation 128103 (VCV000128103.14), dbSNP rs587780197, ClinGen allele CA331895.

ClinVar aggregate classification (germline): Uncertain significance. Review status: criteria provided, multiple submitters, no conflicts (2 of 4 stars). 3 submissions from 3 submitters: Uncertain significance (3). Last evaluated 2025-10-30.

Conditions:
Pancreatic adenocarcinoma. Identifiers: MedGen C0281361, MONDO:0006047, HP:0006725.

Allele frequency attached by ClinVar (database versions not stated): ExAC 0.00001; gnomAD 0.00003 and 0.00004; TOPMed 0.00004.
gnomAD v4.1: 35 of 1,613,574 alleles (0.0022%); highest among the groups gnomAD compares: Middle Eastern, 0.033%; no homozygotes.

Submissions (3):

Labcorp Genetics (formerly Invitae), Labcorp
Classification: Uncertain significance for Pancreatic adenocarcinoma. Last evaluated: 2025-10-30. Review status: criteria provided, single submitter. Criteria: Invitae Variant Classification Sherloc (09022015). Collection method: clinical testing. Allele origin: germline.
Comment: This sequence change replaces valine, which is neutral and non-polar, with methionine, which is neutral and non-polar, at codon 282 of the PALLD protein (p.Val282Met). This variant is present in population databases (rs587780197, gnomAD 0.02%). This variant has not been reported in the literature in individuals affected with PALLD-related conditions. ClinVar contains an entry for this variant (Variation ID: 128103). An algorithm developed to predict the effect of missense changes on protein structure and function (PolyPhen-2) suggests that this variant is likely to be tolerated. In summary, the available evidence is currently insufficient to determine the role of this variant in disease. Therefore, it has been classified as a Variant of Uncertain Significance.

Ambry Genetics
Classification: Uncertain significance. Last evaluated: 2025-08-01. Review status: criteria provided, single submitter. Criteria: Ambry Variant Classification Scheme 2023. Collection method: clinical testing. Allele origin: germline.

GeneDx
Classification: Uncertain significance. Last evaluated: 2013-12-24. Review status: criteria provided, single submitter. Criteria: GeneDx Variant Classification (06012015). Collection method: clinical testing. Allele origin: germline. Affected: yes.
Comment: This variant is denoted PALLD c.2305G>A at the cDNA level and p.Val769Met (V769M) at the protein level, and results in the change of a Valine to a Methionine (GTG>ATG). This variant has not, to our knowledge, been published in the literature as pathogenic or benign. PALLD Val769Met was not observed in approximately 6,500 individuals of European and African American ancestry in the NHLBI Exome Sequencing Project, suggesting it is not a common benign variant in these populations. This variant is a conservative substitution of one neutral non-polar amino acid for another, altering a position that is well conserved through mammals, and is located in the region responsible for interaction with ESP8. In silico analyses predict this variant to have a benign effect on protein structure and function. Based on the currently available information, we consider PALLD Val769Met to be a variant of uncertain significance.